The following is an entry in ClinVar:

ClinVar aggregate classification (germline): Uncertain significance (1 of 4 stars; one submission).

Conditions:
Autosomal recessive limb-girdle muscular dystrophy type 2J (LGMDR10). Also called: Limb-girdle muscular dystrophy, type 2J; MUSCULAR DYSTROPHY, LIMB-GIRDLE, AUTOSOMAL RECESSIVE 10. Identifiers: Orphanet 140922, MedGen C1837342, MONDO:0012127, OMIM 608807.
Dilated cardiomyopathy 1G (CMD1G). Identifiers: Orphanet 154, MedGen C1858763, MONDO:0011400, OMIM 604145.

Submission:

Labcorp Genetics (formerly Invitae), Labcorp
Classification: Uncertain significance for Dilated cardiomyopathy 1G; Limb-girdle muscular dystrophy, type 2J. Last evaluated: 2019-12-14. Review status: criteria provided, single submitter. Criteria: Invitae Variant Classification Sherloc (09022015). Collection method: clinical testing. Allele origin: germline.
Comment: This variant is an in-frame deletion of the genomic region encompassing 153-156 of the TTN gene. It preserves the integrity of the reading frame. This variant has not been reported in the literature in individuals with TTN-related conditions. This variant is located in the I band of TTN (PMID: 25589632). Variants in this region may be relevant for neuromuscular disorders, but have not been definitively shown to cause cardiomyopathy (PMID: 23975875). Experimental studies and prediction algorithms are not available or were not evaluated, and the functional significance of this variant is currently unknown. In summary, the available evidence is currently insufficient to determine the role of this variant in disease. Therefore, it has been classified as a Variant of Uncertain Significance.

Literature cited by the submitters: PubMed 25589632; PubMed 23975875.

NC_000002.12:g.(?_178671080)_(178672713_?)del

Gene: TTN (titin; minus strand). Cytogenetic location: 2q31.2.
Variant type: Deletion.
Identifiers: ClinVar variation 831488 (VCV000831488.1).